The following is an entry in ClinVar:

NM_001371986.1(UNC80):c.758G>A (p.Arg253Gln)

Gene: UNC80 (unc-80 subunit of NALCN channel complex; plus strand). Cytogenetic location: 2q34.
Variant type: single nucleotide variant.
Coding change: c.758G>A on transcript NM_001371986.1 (MANE Select); coding-DNA position 758, G replaced by A.
Protein change: p.Arg253Gln; replaces arginine 253 with glutamine.
Molecular consequence: missense variant.
Genome position (GRCh38, 1-based): chr2:209,789,565, G>A. VCF-style: chr2-209789565-G-A. GRCh37 (hg19) VCF-style: chr2-210654289-G-A.
Other names: c.758G>A, p.Arg253Gln (NM_032504.2, NM_182587.4); short protein forms R253Q.
Identifiers: ClinVar variation 4729836 (VCV004729836.1).

ClinVar aggregate classification (germline): Uncertain significance (1 of 4 stars; one submission).

gnomAD v4.1: 32 of 1,613,418 alleles (0.002%); highest among the groups gnomAD compares: South Asian, 0.023%; no homozygotes.

Submission:

Labcorp Genetics (formerly Invitae), Labcorp
Classification: Uncertain significance. Last evaluated: 2025-04-11. Review status: criteria provided, single submitter. Criteria: Invitae Variant Classification Sherloc (09022015). Collection method: clinical testing. Allele origin: germline.
Comment: This sequence change replaces arginine, which is basic and polar, with glutamine, which is neutral and polar, at codon 253 of the UNC80 protein (p.Arg253Gln). This variant is present in population databases (rs547993640, gnomAD 0.03%). This variant has not been reported in the literature in individuals affected with UNC80-related conditions. An algorithm developed to predict the effect of missense changes on protein structure and function outputs the following: PolyPhen-2: "Benign". The glutamine amino acid residue is found in multiple mammalian species, which suggests that this missense change does not adversely affect protein function. In summary, the available evidence is currently insufficient to determine the role of this variant in disease. Therefore, it has been classified as a Variant of Uncertain Significance.